The following is an entry in ClinVar:

NM_001252024.2(TRPM1):c.4367C>G (p.Thr1456Arg)

Gene: TRPM1 (transient receptor potential cation channel subfamily M member 1; minus strand). Cytogenetic location: 15q13.3.
Variant type: single nucleotide variant.
Coding change: c.4367C>G on transcript NM_001252024.2 (MANE Select); coding-DNA position 4367, C replaced by G.
Protein change: p.Thr1456Arg; replaces threonine 1456 with arginine.
Molecular consequence: missense variant.
Genome position (GRCh38, 1-based): chr15:31,002,333, G>C on the plus strand (C>G on the coding strand, the complement: TRPM1 is on the minus strand). VCF-style: chr15-31002333-G-C. GRCh37 (hg19) VCF-style: chr15-31294536-G-C.
Other names: c.4418C>G, p.Thr1473Arg (NM_001252020.2); c.4301C>G, p.Thr1434Arg (NM_002420.6); short protein forms T1473R, T1434R, T1456R.
Identifiers: ClinVar variation 887263 (VCV000887263.10), dbSNP rs61734297, ClinGen allele CA7451653.

ClinVar aggregate classification (germline): Uncertain significance. Review status: criteria provided, multiple submitters, no conflicts (2 of 4 stars). 3 submissions from 3 submitters: Uncertain significance (3). Last evaluated 2025-09-11.

Conditions:
Congenital stationary night blindness 1C. Also called: Night blindness, congenital stationary (complete), 1C, autosomal recessive. Identifiers: Orphanet 215, MedGen C2750747, MONDO:0013183, OMIM 613216.

Allele frequency attached by ClinVar (database versions not stated): ExAC 0.00010; gnomAD exomes 0.00012; gnomAD 0.00018; TOPMed 0.00018; ESP Exome Variant Server 0.00042.
gnomAD v4.1: 850 of 1,614,072 alleles (0.053%); highest among the groups gnomAD compares: Non-Finnish European, 0.07%; no homozygotes.

Submissions (3):

Labcorp Genetics (formerly Invitae), Labcorp
Classification: Uncertain significance. Last evaluated: 2025-09-11. Review status: criteria provided, single submitter. Criteria: Invitae Variant Classification Sherloc (09022015). Collection method: clinical testing. Allele origin: germline.
Comment: This sequence change replaces threonine, which is neutral and polar, with arginine, which is basic and polar, at codon 1434 of the TRPM1 protein (p.Thr1434Arg). This variant is present in population databases (rs61734297, gnomAD 0.03%). This variant has not been reported in the literature in individuals affected with TRPM1-related conditions. ClinVar contains an entry for this variant (Variation ID: 887263). Invitae Evidence Modeling of protein sequence and biophysical properties (such as structural, functional, and spatial information, amino acid conservation, physicochemical variation, residue mobility, and thermodynamic stability) indicates that this missense variant is not expected to disrupt TRPM1 protein function with a negative predictive value of 95%. In summary, the available evidence is currently insufficient to determine the role of this variant in disease. Therefore, it has been classified as a Variant of Uncertain Significance.

Blueprint Genetics
Classification: Uncertain significance. Last evaluated: 2024-11-14. Review status: criteria provided, single submitter. Criteria: ACMG Guidelines, 2015. Collection method: clinical testing. Allele origin: germline.

Illumina Laboratory Services, Illumina
Classification: Uncertain significance for Congenital stationary night blindness 1C. Last evaluated: 2018-01-13. Review status: criteria provided, single submitter. Criteria: ICSL Variant Classification Criteria 13 December 2019. Collection method: clinical testing. Allele origin: germline.